The following is an entry in ClinVar:

ClinVar aggregate classification (germline): Likely pathogenic (1 of 4 stars; one submission).

Conditions:
Usher syndrome type 1C. Also called: USHER SYNDROME, TYPE I, ACADIAN VARIETY. Identifiers: Orphanet 231169, Orphanet 886, MedGen C1848604, MONDO:0010171, OMIM 276904.

Submission:

Myriad Genetics, Inc.
Classification: Likely pathogenic for Usher syndrome type 1C. Last evaluated: 2025-12-30. Review status: criteria provided, single submitter. Criteria: Myriad Autosomal Dominant, Autosomal Recessive and X-Linked Classification Criteria (2023). Collection method: clinical testing. Allele origin: unknown.
Comment: NM_005709.3(USH1C):c.759+1G>T is a variant in a canonical splice site classified as likely pathogenic in the context of USH1C-related disorders. c.759+1G>T has not been observed in cases with relevant disease. Relevant functional assessments of this variant are not available in the literature. c.759+1G>T has not been observed in referenced population frequency databases. In summary, NM_005709.3(USH1C):c.759+1G>T is a variant in a canonical splice site in a gene where loss of function is a known mechanism of disease and is predicted to disrupt protein function. Please note: this variant was assessed in the context of healthy population screening.

NM_153676.4(USH1C):c.759+1G>T

Gene: USH1C (USH1 protein network component harmonin; minus strand). Cytogenetic location: 11p15.1.
Variant type: single nucleotide variant.
Coding change: c.759+1G>T on transcript NM_153676.4 (MANE Select); the canonical splice donor site of the intron after coding-DNA position 759, G replaced by T.
Molecular consequence: splice donor variant.
Genome position (GRCh38, 1-based): chr11:17,524,450, C>A on the plus strand (G>T on the coding strand, the complement: USH1C is on the minus strand). VCF-style: chr11-17524450-C-A. GRCh37 (hg19) VCF-style: chr11-17545997-C-A.
Other names: c.759+1G>T (NM_001297764.2, NM_001440687.1, NM_001440681.1 and 5 more transcripts); c.792+1G>T (NM_001440686.1, NM_001440684.1, NM_001440679.1).
Identifiers: ClinVar variation 5004354 (VCV005004354.1).